The following is an entry in ClinVar:

NM_006206.6(PDGFRA):c.3214A>G (p.Met1072Val)

Gene: PDGFRA (platelet derived growth factor receptor alpha; plus strand). Cytogenetic location: 4q12.
Variant type: single nucleotide variant.
Coding change: c.3214A>G on transcript NM_006206.6 (MANE Select); coding-DNA position 3214, A replaced by G.
Protein change: p.Met1072Val; replaces methionine 1072 with valine.
Molecular consequence: missense variant.
Genome position (GRCh38, 1-based): chr4:54,295,216, A>G. VCF-style: chr4-54295216-A-G. GRCh37 (hg19) VCF-style: chr4-55161383-A-G.
Other names: c.3289A>G, p.Met1097Val (NM_001347828.2); c.3214A>G, p.Met1072Val (NM_001347829.2); c.3253A>G, p.Met1085Val (NM_001347830.2); short protein forms M1072V, M1085V, M1097V.
Identifiers: ClinVar variation 864347 (VCV000864347.12), dbSNP rs1724824777, ClinGen allele CA356896642.
Genomic context (GRCh38, chr4:54,295,216, plus strand): 5'-ACGGGTTCCAGCAGTTCCACCTTCATCAAGAGAGAGGACGAGACCATTGAAGACATCGAC[A>G]TGATGGATGACATCGGCATAGACTCTTCAGACCTGGTGGAAGACAGCTTCCTGTAACTGG-3'
Protein context (NP_006197.1, residues 1062-1082): REDETIEDID[Met1072Val]MDDIGIDSSD

ClinVar aggregate classification (germline): Uncertain significance. Review status: criteria provided, multiple submitters, no conflicts (2 of 4 stars). 2 submissions from 2 submitters: Uncertain significance (2). Last evaluated 2025-01-30.

Conditions:
Hereditary cancer-predisposing syndrome. Also called: Neoplastic Syndromes, Hereditary; Tumor predisposition; Hereditary Cancer Syndrome; Hereditary neoplastic syndrome. Identifiers: Orphanet 140162, MedGen C0027672, MeSH D009386, MONDO:0015356.
Gastrointestinal stromal tumor. Also called: Gastrointestinal stromal tumor, somatic; Gastrointestinal stroma tumor. Identifiers: Orphanet 44890, MedGen C0238198, MeSH D046152, MONDO:0011719, OMIM 606764, HP:0100723.

Allele frequency attached by ClinVar (database versions not stated): gnomAD exomes below 0.00001; TOPMed below 0.00001.

Submissions (2):

Labcorp Genetics (formerly Invitae), Labcorp
Classification: Uncertain significance for Gastrointestinal stromal tumor. Last evaluated: 2025-01-30. Review status: criteria provided, single submitter. Criteria: Invitae Variant Classification Sherloc (09022015). Collection method: clinical testing. Allele origin: germline.
Comment: This sequence change replaces methionine, which is neutral and non-polar, with valine, which is neutral and non-polar, at codon 1072 of the PDGFRA protein (p.Met1072Val). This variant is not present in population databases (gnomAD no frequency). This variant has not been reported in the literature in individuals affected with PDGFRA-related conditions. ClinVar contains an entry for this variant (Variation ID: 864347). An algorithm developed to predict the effect of missense changes on protein structure and function (PolyPhen-2) suggests that this variant is likely to be tolerated. In summary, the available evidence is currently insufficient to determine the role of this variant in disease. Therefore, it has been classified as a Variant of Uncertain Significance.

Ambry Genetics
Classification: Uncertain significance for Hereditary cancer-predisposing syndrome. Last evaluated: 2023-10-01. Review status: criteria provided, single submitter. Criteria: Ambry Variant Classification Scheme 2023. Collection method: clinical testing. Allele origin: germline.
Comment: The p.M1072V variant (also known as c.3214A>G), located in coding exon 22 of the PDGFRA gene, results from an A to G substitution at nucleotide position 3214. The methionine at codon 1072 is replaced by valine, an amino acid with highly similar properties. This amino acid position is conserved. In addition, this alteration is predicted to be tolerated by in silico analysis. Since supporting evidence is limited at this time, the clinical significance of this alteration remains unclear.